The following is an entry in ClinVar:

ClinVar aggregate classification (germline): Benign/Likely benign. Review status: criteria provided, multiple submitters, no conflicts (2 of 4 stars). 4 submissions from 4 submitters: Benign (2); Likely benign (2). Last evaluated 2025-08-29.

Conditions:
Early-infantile DEE. Also called: Ohtahara syndrome; Early infantile epileptic encephalopathy with suppression bursts; Early infantile epileptic encephalopathy. Identifiers: Orphanet 1934, MedGen C0393706, MONDO:0800491.
Inborn genetic diseases. Identifiers: MedGen C0950123, MeSH D030342.

Allele frequency attached by ClinVar (database versions not stated): TOPMed below 0.00001; gnomAD 0.00001 and 0.00004; gnomAD exomes 0.00011 and 0.00018; 1000 Genomes Project 30x 0.00016; 1000 Genomes Project 0.00020; ExAC 0.00025.
gnomAD v4.1: 158 of 1,613,560 alleles (0.0098%); highest among the groups gnomAD compares: South Asian, 0.17%; 1 homozygote.

Submissions (4):

Labcorp Genetics (formerly Invitae), Labcorp
Classification: Benign for Early-infantile DEE. Last evaluated: 2025-08-29. Review status: criteria provided, single submitter. Criteria: Invitae Variant Classification Sherloc (09022015). Collection method: clinical testing. Allele origin: germline.

CeGaT Center for Human Genetics Tuebingen
Classification: Likely benign. Last evaluated: 2024-08-01. Review status: criteria provided, single submitter. Criteria: CeGaT Center For Human Genetics Tuebingen Variant Classification Criteria Version 2. Collection method: clinical testing. Allele origin: germline. Affected: yes. Observed: 1 variant allele.
Comment: SCN8A: BP4, BP7, BS1

Ambry Genetics
Classification: Likely benign for Inborn genetic diseases. Last evaluated: 2019-03-13. Review status: criteria provided, single submitter. Criteria: Ambry Variant Classification Scheme 2023. Collection method: clinical testing. Allele origin: germline.

GeneDx
Classification: Benign. Last evaluated: 2015-04-27. Review status: criteria provided, single submitter. Criteria: GeneDx Variant Classification (06012015). Collection method: clinical testing. Allele origin: germline. Affected: yes.
Comment: This variant is considered likely benign or benign based on one or more of the following criteria: it is a conservative change, it occurs at a poorly conserved position in the protein, it is predicted to be benign by multiple in silico algorithms, and/or has population frequency not consistent with disease.

NM_001330260.2(SCN8A):c.3150T>G (p.Gly1050=)

Gene: SCN8A (sodium voltage-gated channel alpha subunit 8; plus strand). Cytogenetic location: 12q13.13.
Variant type: single nucleotide variant.
Coding change: c.3150T>G on transcript NM_001330260.2 (MANE Select); coding-DNA position 3150, T replaced by G.
Protein change: p.Gly1050=; no amino-acid change (glycine 1050 retained).
Molecular consequence: synonymous variant.
Genome position (GRCh38, 1-based): chr12:51,769,113, T>G. VCF-style: chr12-51769113-T-G. GRCh37 (hg19) VCF-style: chr12-52162897-T-G.
Other names: c.3150T>G, p.Gly1050= (NM_001177984.3, NM_001369788.1, NM_014191.4).
Identifiers: ClinVar variation 379285 (VCV000379285.27), dbSNP rs552307188, ClinGen allele CA6571553.